The following is an entry in ClinVar:

ClinVar aggregate classification (germline): Pathogenic (1 of 4 stars; one submission).

Submission:

Labcorp Genetics (formerly Invitae), Labcorp
Classification: Pathogenic. Last evaluated: 2022-05-11. Review status: criteria provided, single submitter. Criteria: Invitae Variant Classification Sherloc (09022015). Collection method: clinical testing. Allele origin: germline.
Comment: This variant is not present in population databases (gnomAD no frequency). This variant has not been reported in the literature in individuals affected with CYP17A1-related conditions. For these reasons, this variant has been classified as Pathogenic. This sequence change creates a premature translational stop signal (p.Tyr60*) in the CYP17A1 gene. It is expected to result in an absent or disrupted protein product. Loss-of-function variants in CYP17A1 are known to be pathogenic (PMID: 17192295, 20197673, 24140098).

Literature cited by the submitters: PubMed 17192295; PubMed 20197673; PubMed 24140098.

NM_000102.4(CYP17A1):c.180T>G (p.Tyr60Ter)

Gene: CYP17A1 (cytochrome P450 family 17 subfamily A member 1; minus strand). Cytogenetic location: 10q24.32.
Variant type: single nucleotide variant.
Coding change: c.180T>G on transcript NM_000102.4 (MANE Select); coding-DNA position 180, T replaced by G.
Protein change: p.Tyr60Ter; replaces tyrosine 60 with a stop codon.
Molecular consequence: nonsense.
Genome position (GRCh38, 1-based): chr10:102,837,182, A>C on the plus strand (T>G on the coding strand, the complement: CYP17A1 is on the minus strand). VCF-style: chr10-102837182-A-C. GRCh37 (hg19) VCF-style: chr10-104596939-A-C.
Other names: short protein forms Y60*.
Identifiers: ClinVar variation 1992976 (VCV001992976.4), dbSNP rs61754264, ClinGen allele CA377940800.
Genomic context (GRCh38, chr10:102,837,182, plus strand): 5'-CTGGTGGTGGCCGACAATCACTGTAGTCTTGGTGCCCATACGAACCGAATAGATGGGGCC[A>C]TATTTTTTCTGCAGCTTGAAGAAGTTGTTATGCATATGGCCGTGTCTGGGGAGGAATGGC-3'